The following is an entry in ClinVar:

NM_031935.3(HMCN1):c.3764C>T (p.Thr1255Met)

Gene: HMCN1 (hemicentin 1; plus strand). Cytogenetic location: 1q31.1.
Variant type: single nucleotide variant.
Coding change: c.3764C>T on transcript NM_031935.3 (MANE Select); coding-DNA position 3764, C replaced by T.
Protein change: p.Thr1255Met; replaces threonine 1255 with methionine.
Molecular consequence: missense variant.
Genome position (GRCh38, 1-based): chr1:185,995,073, C>T. VCF-style: chr1-185995073-C-T. GRCh37 (hg19) VCF-style: chr1-185964205-C-T.
Other names: short protein forms T1255M.
Identifiers: ClinVar variation 294137 (VCV000294137.15), dbSNP rs201379680, ClinGen allele CA1291802.
Genomic context (GRCh38, chr1:185,995,073, plus strand): 5'-ATGCTGGCATATATACATGTGTTGCTACTAACATAGCAGGCACTGATGAAACAGAGATAA[C>T]GCTACATGTCCAAGGTGATTCTTGACACAGGAAAATATATGTATGTAGGGTGGGGAGTGA-3'
Protein context (NP_114141.2, residues 1245-1265): NIAGTDETEI[Thr1255Met]LHVQEPPTVE

ClinVar aggregate classification (germline): Conflicting classifications of pathogenicity. Review status: criteria provided, conflicting classifications (1 of 4 stars). 3 submissions from 3 submitters: Uncertain significance (1); Likely benign (1). 1 of the submissions does not count toward it. Last evaluated 2026-01-12.

Conditions:
HMCN1-related disorder. Also called: HMCN1-related condition.
Age related macular degeneration 1 (ARMD1). Also called: MACULOPATHY, AGE-RELATED, 1. Identifiers: MedGen C1864205, MONDO:0011285, OMIM 603075.

Allele frequency attached by ClinVar (database versions not stated): ESP Exome Variant Server 0.00008; ExAC 0.00019; TOPMed 0.00019; gnomAD 0.00021 and 0.00023; gnomAD exomes 0.00028.
gnomAD v4.1: 364 of 1,613,442 alleles (0.023%); highest among the groups gnomAD compares: Middle Eastern, 0.033%; no homozygotes.

Submissions (3):

Labcorp Genetics (formerly Invitae), Labcorp
Classification: Likely benign. Last evaluated: 2026-01-12. Review status: criteria provided, single submitter. Criteria: Invitae Variant Classification Sherloc (09022015). Collection method: clinical testing. Allele origin: germline.

Illumina Laboratory Services, Illumina
Classification: Uncertain significance for Age related macular degeneration 1. Last evaluated: 2018-01-13. Review status: criteria provided, single submitter. Criteria: ICSL Variant Classification Criteria 13 December 2019. Collection method: clinical testing. Allele origin: germline.

PreventionGenetics, part of Exact Sciences
Classification: Likely benign for HMCN1-related condition. Last evaluated: 2020-07-29. Review status: no assertion criteria provided. Collection method: clinical testing. Allele origin: germline. Not counted in ClinVar's aggregate classification.
Comment: This variant is classified as likely benign based on ACMG/AMP sequence variant interpretation guidelines (Richards et al. 2015 PMID: 25741868, with internal and published modifications).